The following is an entry in ClinVar:

ClinVar aggregate classification (germline): Uncertain significance (1 of 4 stars; one submission).

Submission:

CeGaT Center for Human Genetics Tuebingen
Classification: Uncertain significance. Last evaluated: 2026-04-01. Review status: criteria provided, single submitter. Criteria: CeGaT Center For Human Genetics Tuebingen Variant Classification Criteria Version 2. Collection method: clinical testing. Allele origin: germline. Affected: yes. Observed: 1 variant allele.
Comment: COL6A3: PM2, BP4

NM_004369.4(COL6A3):c.6931-4A>C

Gene: COL6A3 (collagen type VI alpha 3 chain; minus strand). Cytogenetic location: 2q37.3.
Variant type: single nucleotide variant.
Coding change: c.6931-4A>C on transcript NM_004369.4 (MANE Select); 4 bases into the intron before coding-DNA position 6931, A replaced by C.
Molecular consequence: intron variant.
Genome position (GRCh38, 1-based): chr2:237,348,388, T>G on the plus strand (A>C on the coding strand, the complement: COL6A3 is on the minus strand). VCF-style: chr2-237348388-T-G. GRCh37 (hg19) VCF-style: chr2-238257031-T-G.
Other names: c.5110-4A>C (NM_057166.5); c.6313-4A>C (NM_057167.4).
Identifiers: ClinVar variation 4874660 (VCV004874660.2).
Genomic context (GRCh38, chr2:237,348,388, plus strand): 5'-CACCGACCAGGGATTATTTACCTTTGGTCCTGGGTATCCAGGGAATCCTCTTTCTCCCTA[T>G]AAAGGAAAAATAGATTATTTAATACTTGGTTCTAATTTAAATTCATCTAAAATAAATTGA-3'